The following is an entry in ClinVar:

NM_000051.4(ATM):c.1273G>T (p.Ala425Ser)

Gene: ATM (ATM serine/threonine kinase; plus strand). Cytogenetic location: 11q22.3.
Variant type: single nucleotide variant.
Coding change: c.1273G>T on transcript NM_000051.4 (MANE Select); coding-DNA position 1273, G replaced by T.
Protein change: p.Ala425Ser; replaces alanine 425 with serine.
Molecular consequence: missense variant.
Genome position (GRCh38, 1-based): chr11:108,250,738, G>T. VCF-style: chr11-108250738-G-T. GRCh37 (hg19) VCF-style: chr11-108121465-G-T.
Other names: c.1273G>T, p.Ala425Ser (NM_001351834.2); short protein forms A425S.
Identifiers: ClinVar variation 565464 (VCV000565464.19), dbSNP rs769214234, ClinGen allele CA228390827.
Genomic context (GRCh38, chr11:108,250,738, plus strand): 5'-TTATCCTTTTTTTTTTTTTTTAGGCTACAGATTGCAACCCAATTAATATCAAAGTATCCT[G>T]CAAGTTTACCTAACTGTGAGCTGTCTCCATTACTGATGATACTATCTCAGCTTCTACCCC-3'
Protein context (NP_000042.3, residues 415-435): IATQLISKYP[Ala425Ser]SLPNCELSPL

ClinVar aggregate classification (germline): Conflicting classifications of pathogenicity. Review status: criteria provided, conflicting classifications (1 of 4 stars). 5 submissions from 5 submitters: Uncertain significance (2); Likely benign (3). Last evaluated 2025-12-10.

Conditions:
Hereditary cancer. Identifiers: MedGen C1333600.
Ataxia-telangiectasia syndrome (AT). Also called: Ataxia-telangiectasia, complementation group D; AT, COMPLEMENTATION GROUP C; Cerebello-oculocutaneous telangiectasia; Immunodeficiency with ataxia telangiectasia; LOUIS-BAR SYNDROME; Ataxia telangiectasia (A-T). Identifiers: Orphanet 100, MedGen C0004135, MONDO:0008840, OMIM 208900.
Hereditary cancer-predisposing syndrome. Also called: Hereditary neoplastic syndrome; Neoplastic Syndromes, Hereditary; Hereditary Cancer Syndrome; Tumor predisposition. Identifiers: Orphanet 140162, MedGen C0027672, MeSH D009386, MONDO:0015356.

Submissions (5):

Color Diagnostics, LLC DBA Color Health
Classification: Uncertain significance for Hereditary cancer-predisposing syndrome. Last evaluated: 2025-12-10. Review status: criteria provided, single submitter. Criteria: ACMG Guidelines, 2015. Collection method: clinical testing. Allele origin: germline.
Comment: This missense variant replaces alanine with serine at codon 425 of the ATM protein. Computational prediction suggests that this variant may not impact protein structure and function. To our knowledge, functional studies have not been reported for this variant. This variant has been reported in at least two individuals affected with breast cancer (PMID: 35264596, 35534704), and it has been detected in a breast cancer case-control meta-analysis in 1/60466 cases and 1/53461 unaffected individuals (PMID: 33471991LOVD DB-ID ATM_001871). This variant has been identified in 3/1604506 chromosomes in the general population by the Genome Aggregation Database (gnomAD). The available evidence is insufficient to determine the role of this variant in disease conclusively. Therefore, this variant is classified as a Variant of Uncertain Significance.

Labcorp Genetics (formerly Invitae), Labcorp
Classification: Uncertain significance for Ataxia-telangiectasia syndrome. Last evaluated: 2024-07-01. Review status: criteria provided, single submitter. Criteria: Invitae Variant Classification Sherloc (09022015). Collection method: clinical testing. Allele origin: germline.
Comment: This sequence change replaces alanine, which is neutral and non-polar, with serine, which is neutral and polar, at codon 425 of the ATM protein (p.Ala425Ser). This variant is present in population databases (no rsID available, gnomAD no frequency). This missense change has been observed in individual(s) with breast cancer (PMID: 35264596, 35534704). ClinVar contains an entry for this variant (Variation ID: 565464). Algorithms developed to predict the effect of missense changes on protein structure and function output the following: SIFT: "Not Available"; PolyPhen-2: "Benign"; Align-GVGD: "Not Available". The serine amino acid residue is found in multiple mammalian species, which suggests that this missense change does not adversely affect protein function. In summary, the available evidence is currently insufficient to determine the role of this variant in disease. Therefore, it has been classified as a Variant of Uncertain Significance.

Mendelics
Classification: Likely benign for Hereditary cancer. Last evaluated: 2024-01-23. Review status: criteria provided, single submitter. Criteria: ACMG Guidelines, 2015. Collection method: clinical testing. Allele origin: unknown.

Blueprint Genetics
Classification: Likely benign. Last evaluated: 2022-10-28. Review status: criteria provided, single submitter. Criteria: ACMG Guidelines, 2015. Collection method: clinical testing. Allele origin: germline.

Ambry Genetics
Classification: Likely benign for Hereditary cancer-predisposing syndrome. Last evaluated: 2020-04-01. Review status: criteria provided, single submitter. Criteria: Ambry Variant Classification Scheme 2023. Collection method: clinical testing. Allele origin: germline.

Literature cited by the submitters: PubMed 33471991 (cited by Color Diagnostics, LLC DBA Color Health); PubMed 35264596 (cited by Color Diagnostics, LLC DBA Color Health and Labcorp Genetics (formerly Invitae), Labcorp); PubMed 35534704 (cited by Color Diagnostics, LLC DBA Color Health and Labcorp Genetics (formerly Invitae), Labcorp).